The following is an entry in ClinVar:

NM_172240.3(POC1B):c.1084A>C (p.Met362Leu)

Genes: POC1B (POC1 centriolar protein B; minus strand), POC1B-DUSP6 (POC1B-DUSP6 readthrough; minus strand). Cytogenetic location: 12q21.33.
Variant type: single nucleotide variant.
Coding change: c.1084A>C on transcript NM_172240.3 (MANE Select); coding-DNA position 1084, A replaced by C.
Protein change: p.Met362Leu; replaces methionine 362 with leucine.
Molecular consequence: missense variant. On other transcripts: non-coding transcript variant (2).
Genome position (GRCh38, 1-based): chr12:89,459,667, T>G on the plus strand (A>C on the coding strand, the complement: POC1B is on the minus strand). VCF-style: chr12-89459667-T-G. GRCh37 (hg19) VCF-style: chr12-89853444-T-G.
Other names: c.958A>C, p.Met320Leu (NM_001199777.2); short protein forms M362L, M320L.
Identifiers: ClinVar variation 1520265 (VCV001520265.4), dbSNP rs745746898, ClinGen allele CA6714292.
Genomic context (GRCh38, chr12:89,459,667, plus strand): 5'-TGTCAAAAAAAAAAAAAAAAACCCGACTTACTGTGGTAGAATCAAAAGAAAGGATATCCA[T>G]AACAGGGGGAGTAGAGATCTGCAAATCGATTACCTCAAGCTTTGGATTAATCTGTGTATA-3'
Protein context (NP_758440.1, residues 352-372): IDLQISTPPV[Met362Leu]DILSFDSTTT

ClinVar aggregate classification (germline): Uncertain significance (1 of 4 stars; one submission).

Allele frequency attached by ClinVar (database versions not stated): gnomAD exomes below 0.00001; ExAC 0.00001.
gnomAD v4.1: 3 of 1,498,042 alleles (0.0002%); highest among the groups gnomAD compares: South Asian, 0.004%; no homozygotes.

Submission:

Labcorp Genetics (formerly Invitae), Labcorp
Classification: Uncertain significance. Last evaluated: 2021-11-06. Review status: criteria provided, single submitter. Criteria: Invitae Variant Classification Sherloc (09022015). Collection method: clinical testing. Allele origin: germline.
Comment: Algorithms developed to predict the effect of missense changes on protein structure and function (SIFT, PolyPhen-2, Align-GVGD) all suggest that this variant is likely to be tolerated. This variant has not been reported in the literature in individuals affected with POC1B-related conditions. This variant is present in population databases (rs745746898, gnomAD 0.009%). This sequence change replaces methionine, which is neutral and non-polar, with leucine, which is neutral and non-polar, at codon 362 of the POC1B protein (p.Met362Leu). In summary, the available evidence is currently insufficient to determine the role of this variant in disease. Therefore, it has been classified as a Variant of Uncertain Significance.